The following is an entry in ClinVar:

NM_003072.5(SMARCA4):c.2229C>G (p.Asp743Glu)

Gene: SMARCA4 (SWI/SNF related BAF chromatin remodeling complex subunit ATPase 4; plus strand). Cytogenetic location: 19p13.2.
Variant type: single nucleotide variant.
Coding change: c.2229C>G on transcript NM_003072.5 (MANE Select); coding-DNA position 2229, C replaced by G.
Protein change: p.Asp743Glu; replaces aspartic acid 743 with glutamic acid.
Molecular consequence: missense variant. On other transcripts: non-coding transcript variant (1).
Genome position (GRCh38, 1-based): chr19:11,010,486, C>G. VCF-style: chr19-11010486-C-G. GRCh37 (hg19) VCF-style: chr19-11121162-C-G.
Other names: c.2229C>G, p.Asp743Glu (NM_001128844.3, NM_001128845.2, NM_001128846.2 and 6 more transcripts); short protein forms D743E.
Identifiers: ClinVar variation 1788034 (VCV001788034.2), dbSNP rs1233181843, ClinGen allele CA404052880.

ClinVar aggregate classification (germline): Uncertain significance (1 of 4 stars; one submission).

Conditions:
Hereditary cancer-predisposing syndrome. Also called: Neoplastic Syndromes, Hereditary; Tumor predisposition; Hereditary Cancer Syndrome; Hereditary neoplastic syndrome. Identifiers: Orphanet 140162, MedGen C0027672, MeSH D009386, MONDO:0015356.

Submission:

Ambry Genetics
Classification: Uncertain significance for Hereditary cancer-predisposing syndrome. Last evaluated: 2020-08-27. Review status: criteria provided, single submitter. Criteria: Ambry Variant Classification Scheme 2023. Collection method: clinical testing. Allele origin: germline.
Comment: The p.D743E variant (also known as c.2229C>G), located in coding exon 14 of the SMARCA4 gene, results from a C to G substitution at nucleotide position 2229. The aspartic acid at codon 743 is replaced by glutamic acid, an amino acid with highly similar properties. This amino acid position is not well conserved in available vertebrate species. In addition, this alteration is predicted to be tolerated by in silico analysis. Since supporting evidence is limited at this time, the clinical significance of this alteration remains unclear.